The following is an entry in ClinVar:

ClinVar aggregate classification (germline): Uncertain significance (1 of 4 stars; one submission).

Submission:

Labcorp Genetics (formerly Invitae), Labcorp
Classification: Uncertain significance. Last evaluated: 2024-05-05. Review status: criteria provided, single submitter. Criteria: Invitae Variant Classification Sherloc (09022015). Collection method: clinical testing. Allele origin: germline.
Comment: This variant, c.424_426del, results in the deletion of 1 amino acid(s) of the MSH3 protein (p.Cys142del), but otherwise preserves the integrity of the reading frame. This variant is not present in population databases (gnomAD no frequency). This variant has not been reported in the literature in individuals affected with MSH3-related conditions. Experimental studies and prediction algorithms are not available or were not evaluated, and the functional significance of this variant is currently unknown. In summary, the available evidence is currently insufficient to determine the role of this variant in disease. Therefore, it has been classified as a Variant of Uncertain Significance.

NM_002439.5(MSH3):c.421TGC[1] (p.Cys142del)

Gene: MSH3 (mutS homolog 3; plus strand). Cytogenetic location: 5q14.1.
Variant type: Microsatellite.
Coding change: c.421TGC[1] on transcript NM_002439.5 (MANE Select); one copy of the 3-base unit TGC starting at c.421; the reference has two copies in a row; one copy, 3 bases deleted.
Protein change: p.Cys142del; deletes cysteine 142.
Genome position (GRCh38, 1-based): chr5:80,665,208-80,665,210, TGC deleted; deleting any 3 consecutive bases within chr5:80,665,204-80,665,210 gives the same sequence; the position shown is the placement nearest the transcript's 3' end. VCF-style (leftmost placement, unchanged base first): chr5-80665203-TCTG-T. GRCh37 (hg19) VCF-style: chr5-79961022-TCTG-T.
Other names: short protein forms C142del.
Identifiers: ClinVar variation 3652176 (VCV003652176.2).